The following is an entry in ClinVar:

ClinVar aggregate classification (germline): Uncertain significance (1 of 4 stars; one submission).

Submission:

Labcorp Genetics (formerly Invitae), Labcorp
Classification: Uncertain significance. Last evaluated: 2025-05-27. Review status: criteria provided, single submitter. Criteria: Invitae Variant Classification Sherloc (09022015). Collection method: clinical testing. Allele origin: germline.
Comment: This sequence change falls in intron 74 of the COL7A1 gene. It does not directly change the encoded amino acid sequence of the COL7A1 protein. It affects a nucleotide within the consensus splice site. This variant is not present in population databases (gnomAD no frequency). This variant has not been reported in the literature in individuals affected with COL7A1-related conditions. Variants that disrupt the consensus splice site are a relatively common cause of aberrant splicing (PMID: 17576681, 9536098). Algorithms developed to predict the effect of sequence changes on RNA splicing suggest that this variant is not likely to affect RNA splicing. In summary, the available evidence is currently insufficient to determine the role of this variant in disease. Therefore, it has been classified as a Variant of Uncertain Significance.

Literature cited by the submitters: PubMed 17576681; PubMed 9536098.

NM_000094.4(COL7A1):c.6216+3G>A

Gene: COL7A1 (collagen type VII alpha 1 chain; minus strand). Cytogenetic location: 3p21.31.
Variant type: single nucleotide variant.
Coding change: c.6216+3G>A on transcript NM_000094.4 (MANE Select); 3 bases into the intron after coding-DNA position 6216, G replaced by A.
Molecular consequence: intron variant.
Genome position (GRCh38, 1-based): chr3:48,575,204, C>T on the plus strand (G>A on the coding strand, the complement: COL7A1 is on the minus strand). VCF-style: chr3-48575204-C-T. GRCh37 (hg19) VCF-style: chr3-48612637-C-T.
Identifiers: ClinVar variation 4808194 (VCV004808194.1).